The following is an entry in ClinVar:

ClinVar aggregate classification (germline): Conflicting classifications of pathogenicity. Review status: criteria provided, conflicting classifications (1 of 4 stars). 3 submissions from 3 submitters: Uncertain significance (1); Likely benign (2). Last evaluated 2026-05-01.

Conditions:
Inborn genetic diseases. Identifiers: MedGen C0950123, MeSH D030342.

Allele frequency attached by ClinVar (database versions not stated): TOPMed 0.00001; gnomAD 0.00002; ExAC 0.00004; gnomAD exomes 0.00012.
gnomAD v4.1: 171 of 1,613,600 alleles (0.011%); highest among the groups gnomAD compares: Non-Finnish European, 0.014%; no homozygotes.

Submissions (3):

CeGaT Center for Human Genetics Tuebingen
Classification: Likely benign. Last evaluated: 2026-05-01. Review status: criteria provided, single submitter. Criteria: CeGaT Center For Human Genetics Tuebingen Variant Classification Criteria Version 2. Collection method: clinical testing. Allele origin: germline. Affected: yes. Observed: 1 variant allele.
Comment: TRRAP: BS2

Ambry Genetics
Classification: Likely benign for Inborn genetic diseases. Last evaluated: 2022-12-15. Review status: criteria provided, single submitter. Criteria: Ambry Variant Classification Scheme 2023. Collection method: clinical testing. Allele origin: germline.

Revvity Omics, Revvity
Classification: Uncertain significance. Last evaluated: 2022-01-31. Review status: criteria provided, single submitter. Criteria: ACMG Guidelines, 2015. Collection method: clinical testing. Allele origin: germline.

NM_001375524.1(TRRAP):c.625A>G (p.Thr209Ala)

Gene: TRRAP (transformation/transcription domain associated protein; plus strand). Cytogenetic location: 7q22.1.
Variant type: single nucleotide variant.
Coding change: c.625A>G on transcript NM_001375524.1 (MANE Select); coding-DNA position 625, A replaced by G.
Protein change: p.Thr209Ala; replaces threonine 209 with alanine.
Molecular consequence: missense variant.
Genome position (GRCh38, 1-based): chr7:98,897,858, A>G. VCF-style: chr7-98897858-A-G. GRCh37 (hg19) VCF-style: chr7-98495481-A-G.
Other names: c.625A>G (NM_003496.3); c.625A>G, p.Thr209Ala (NM_001244580.2, NM_003496.4); short protein forms T209A.
Identifiers: ClinVar variation 2222927 (VCV002222927.7), dbSNP rs782220332, ClinGen allele CA4359299.
Genomic context (GRCh38, chr7:98,897,858, plus strand): 5'-ATGGTTGGTATGATAACAACGATTGCTGTGAAAGTCAACCCGGAGCGTGAGGACAGTGAG[A>G]CTCGAACAGTAAGTGTTTCGCTGAGTTATTTCTACCCGTGGCTCCTGTAGTTTCGGATAC-3'
Protein context (NP_001362453.1, residues 199-219): KVNPEREDSE[Thr209Ala]RTHSIIPRGS